The following is an entry in ClinVar:

ClinVar aggregate classification (germline): Uncertain significance (1 of 4 stars; one submission).

Conditions:
Pitt-Hopkins-like syndrome 2 (PTHSL2). Identifiers: Orphanet 221150, Orphanet 600663, MedGen C3280479, MONDO:0013690, OMIM 614325.

Submission:

Labcorp Genetics (formerly Invitae), Labcorp
Classification: Uncertain significance for Pitt-Hopkins-like syndrome 2. Last evaluated: 2022-02-08. Review status: criteria provided, single submitter. Criteria: Invitae Variant Classification Sherloc (09022015). Collection method: clinical testing. Allele origin: germline.
Comment: This sequence change replaces leucine, which is neutral and non-polar, with phenylalanine, which is neutral and non-polar, at codon 759 of the NRXN1 protein (p.Leu759Phe). This variant is not present in population databases (gnomAD no frequency). This variant has not been reported in the literature in individuals affected with NRXN1-related conditions. Algorithms developed to predict the effect of missense changes on protein structure and function are either unavailable or do not agree on the potential impact of this missense change (SIFT: "Deleterious"; PolyPhen-2: "Probably Damaging"; Align-GVGD: "Class C0"). In summary, the available evidence is currently insufficient to determine the role of this variant in disease. Therefore, it has been classified as a Variant of Uncertain Significance.

NM_001330078.2(NRXN1):c.2157G>C (p.Leu719Phe)

Gene: NRXN1 (neurexin 1; minus strand). Cytogenetic location: 2p16.3.
Variant type: single nucleotide variant.
Coding change: c.2157G>C on transcript NM_001330078.2 (MANE Select); coding-DNA position 2157, G replaced by C.
Protein change: p.Leu719Phe; replaces leucine 719 with phenylalanine.
Molecular consequence: missense variant.
Genome position (GRCh38, 1-based): chr2:50,531,417, C>G on the plus strand (G>C on the coding strand, the complement: NRXN1 is on the minus strand). VCF-style: chr2-50531417-C-G. GRCh37 (hg19) VCF-style: chr2-50758555-C-G.
Other names: c.2277G>C, p.Leu759Phe (NM_001135659.3); c.2133G>C, p.Leu711Phe (NM_001330077.2, NM_001330082.2, NM_001330095.2); c.2118G>C, p.Leu706Phe (NM_001330083.2, NM_001330084.2); c.2157G>C, p.Leu719Phe (NM_001330085.2, NM_001330086.2, NM_004801.6); c.2073G>C, p.Leu691Phe (NM_001330087.2, NM_001330096.2); c.2103G>C, p.Leu701Phe (NM_001330088.2); c.2154G>C, p.Leu718Phe (NM_001330093.2); c.2145G>C, p.Leu715Phe (NM_001330094.2); short protein forms L691F, L718F, L706F, L715F, L719F, L701F, L711F, L759F.
Identifiers: ClinVar variation 2094936 (VCV002094936.4), dbSNP rs1413440556, ClinGen allele CA346769801.